The following is an entry in ClinVar:

ClinVar aggregate classification (germline): Conflicting classifications of pathogenicity. Review status: criteria provided, conflicting classifications (1 of 4 stars). 3 submissions from 3 submitters: Likely pathogenic (2); Uncertain significance (1). Last evaluated 2026-08-17.

Conditions:
Hereditary pancreatitis (PCTT). Also called: Hereditary chronic pancreatitis; PRSS1-Related Hereditary Pancreatitis. Identifiers: Orphanet 676, MedGen C0238339, MONDO:0008185, OMIM 167800.

Allele frequency attached by ClinVar (database versions not stated): gnomAD exomes below 0.00001.

Submissions (3):

Ambry Genetics
Classification: Likely pathogenic for Hereditary pancreatitis. Last evaluated: 2026-08-17. Review status: criteria provided, single submitter. Criteria: Ambry Variant Classification Scheme 2023. Collection method: clinical testing. Allele origin: germline.
Comment: The c.494-2A>G intronic variant results from an A to G substitution two nucleotides upstream from coding exon 6 in the CTRC gene. Variants that disrupt the canonical splice site are expected to result in aberrant splicing. In silico splice site analysis predicts that this alteration will weaken the native splice acceptor site and will result in the creation or strengthening of a novel splice acceptor site. A resulting transcript is predicted to be in-frame and is not expected to trigger nonsense-mediated mRNA decay; although, direct evidence is unavailable. However, a significant portion of the protein is predicted to be impacted (Ambry internal data). This variant is considered to be rare based on population cohorts in the Genome Aggregation Database (gnomAD). This nucleotide position is highly conserved in available vertebrate species. Based on the majority of available evidence to date, this variant is likely to be pathogenic.

ARUP Laboratories, Molecular Genetics and Genomics, ARUP Laboratories
Classification: Likely pathogenic for Hereditary pancreatitis. Last evaluated: 2024-07-05. Review status: criteria provided, single submitter. Criteria: ARUP Molecular Germline Variant Investigation Process 2024. Collection method: clinical testing. Allele origin: germline.
Comment: The CTRC c.494-2A>G variant (rs1708187577), to our knowledge, is not reported in the medical literature but is reported in ClinVar (Variation ID: 1504544). This variant is only observed on one allele in the Genome Aggregation Database (v2.1.1), indicating it is not a common polymorphism. This variant disrupts the canonical splice acceptor site of intron 5, which is likely to negatively impact gene function. Based on available information, this variant is considered to be likely pathogenic.

Labcorp Genetics (formerly Invitae), Labcorp
Classification: Uncertain significance for Hereditary pancreatitis. Last evaluated: 2022-05-03. Review status: criteria provided, single submitter. Criteria: Invitae Variant Classification Sherloc (09022015). Collection method: clinical testing. Allele origin: germline.
Comment: In summary, the available evidence is currently insufficient to determine the role of this variant in disease. Therefore, it has been classified as a Variant of Uncertain Significance. Algorithms developed to predict the effect of sequence changes on RNA splicing suggest that this variant may disrupt the consensus splice site. This variant has not been reported in the literature in individuals affected with CTRC-related conditions. This variant is not present in population databases (gnomAD no frequency). This sequence change affects an acceptor splice site in intron 5 of the CTRC gene. It is expected to disrupt RNA splicing. Variants that disrupt the donor or acceptor splice site typically lead to a loss of protein function (PMID: 16199547), however the current clinical and genetic evidence is not sufficient to establish whether loss-of-function variants in CTRC cause disease.

Literature cited by the submitters: PubMed 16199547 (cited by Labcorp Genetics (formerly Invitae), Labcorp).

NM_007272.3(CTRC):c.494-2A>G

Gene: CTRC (chymotrypsin C; plus strand). Cytogenetic location: 1p36.21.
Variant type: single nucleotide variant.
Coding change: c.494-2A>G on transcript NM_007272.3 (MANE Select); the canonical splice acceptor site of the intron before coding-DNA position 494, A replaced by G.
Molecular consequence: splice acceptor variant.
Genome position (GRCh38, 1-based): chr1:15,444,604, A>G. VCF-style: chr1-15444604-A-G. GRCh37 (hg19) VCF-style: chr1-15771099-A-G.
Other names: c.494-2A>G (NM_007272.2).
Identifiers: ClinVar variation 1504544 (VCV001504544.7), dbSNP rs1708187577, ClinGen allele CA338566848.